The following is an entry in ClinVar:

NM_005263.5(GFI1):c.334G>A (p.Ala112Thr)

Gene: GFI1 (growth factor independent 1 transcriptional repressor; minus strand). Cytogenetic location: 1p22.1.
Variant type: single nucleotide variant.
Coding change: c.334G>A on transcript NM_005263.5 (MANE Select); coding-DNA position 334, G replaced by A.
Protein change: p.Ala112Thr; replaces alanine 112 with threonine.
Molecular consequence: missense variant.
Genome position (GRCh38, 1-based): chr1:92,481,053, C>T on the plus strand (G>A on the coding strand, the complement: GFI1 is on the minus strand). VCF-style: chr1-92481053-C-T. GRCh37 (hg19) VCF-style: chr1-92946610-C-T.
Other names: c.334G>A, p.Ala112Thr (NM_001127215.3, NM_001127216.3); short protein forms A112T.
Identifiers: ClinVar variation 4843279 (VCV004843279.1).

ClinVar aggregate classification (germline): Uncertain significance (1 of 4 stars; one submission).

gnomAD v4.1: 3 of 1,611,854 alleles (0.00019%); highest among the groups gnomAD compares: Non-Finnish European, 0.00025%; no homozygotes.

Submission:

Ambry Genetics
Classification: Uncertain significance. Last evaluated: 2025-12-21. Review status: criteria provided, single submitter. Criteria: Ambry Variant Classification Scheme 2023. Collection method: clinical testing. Allele origin: germline.
Comment: The p.A112T variant (also known as c.334G>A), located in coding exon 3 of the GFI1 gene, results from a G to A substitution at nucleotide position 334. The alanine at codon 112 is replaced by threonine, an amino acid with similar properties. This amino acid position is conserved. In addition, this alteration is predicted to be tolerated by in silico analysis. Based on the available evidence, the clinical significance of this variant remains unclear.